The following is an entry in ClinVar:

NM_138927.4(SON):c.653C>T (p.Ser218Phe)

Gene: SON (SON DNA and RNA binding protein; plus strand). Cytogenetic location: 21q22.11.
Variant type: single nucleotide variant.
Coding change: c.653C>T on transcript NM_138927.4 (MANE Select); coding-DNA position 653, C replaced by T.
Protein change: p.Ser218Phe; replaces serine 218 with phenylalanine.
Molecular consequence: missense variant. On other transcripts: non-coding transcript variant (1), intron variant (1).
Genome position (GRCh38, 1-based): chr21:33,549,884, C>T. VCF-style: chr21-33549884-C-T. GRCh37 (hg19) VCF-style: chr21-34922190-C-T.
Other names: c.653C>T, p.Ser218Phe (NM_001291411.2, NM_032195.3); c.244+3505C>T (NM_001291412.3); short protein forms S218F.
Identifiers: ClinVar variation 3344422 (VCV003344422.1).

ClinVar aggregate classification (germline): Uncertain significance (0 of 4 stars; one submission).

Conditions:
SON-related disorder. Also called: SON-related condition.

Submission:

PreventionGenetics, part of Exact Sciences
Classification: Uncertain significance for SON-related condition. Last evaluated: 2024-07-22. Review status: no assertion criteria provided. Collection method: clinical testing. Allele origin: germline.
Comment: The SON c.653C>T variant is predicted to result in the amino acid substitution p.Ser218Phe. To our knowledge, this variant has not been reported in the literature or in a large population database, indicating this variant is rare. At this time, the clinical significance of this variant is uncertain due to the absence of conclusive functional and genetic evidence.